The following is an entry in ClinVar:

NM_033517.1:c.956C>T

Gene: SHANK3 (SH3 and multiple ankyrin repeat domains 3; plus strand).
Variant type: single nucleotide variant.
Other names: c.956C>T (NM_033517.1).
Identifiers: ClinVar variation 5000163 (VCV005000163.1).

ClinVar aggregate classification (germline): Uncertain significance (1 of 4 stars; one submission).

Conditions:
SHANK3-related disorder. Also called: SHANK3-related condition.

Submission:

PreventionGenetics, part of Exact Sciences
Classification: Uncertain significance for SHANK3-related condition. Last evaluated: 2024-11-27. Review status: criteria provided, single submitter. Criteria: ACMG Guidelines, 2015. Collection method: clinical testing. Allele origin: germline.
Comment: The SHANK3 c.956C>T variant is predicted to result in the amino acid substitution p.Ala319Val. To our knowledge, this variant has not been reported in the literature or in a large population database (gnomAD), indicating this variant is rare. At this time, the clinical significance of this variant is uncertain due to the absence of conclusive functional and genetic evidence.